The following is an entry in ClinVar:

ClinVar aggregate classification (germline): Uncertain significance. Review status: criteria provided, multiple submitters, no conflicts (2 of 4 stars). 2 submissions from 2 submitters: Uncertain significance (2). Last evaluated 2022-08-26.

Conditions:
Inborn genetic diseases. Identifiers: MedGen C0950123, MeSH D030342.

Allele frequency attached by ClinVar (database versions not stated): gnomAD exomes 0.00001; TOPMed 0.00011; gnomAD 0.00015; 1000 Genomes Project 0.00020; 1000 Genomes Project 30x 0.00047.
gnomAD v4.1: 34 of 1,541,004 alleles (0.0022%); highest among the groups gnomAD compares: African/African-American, 0.047%; no homozygotes.

Submissions (2):

Ambry Genetics
Classification: Uncertain significance for Inborn genetic diseases. Last evaluated: 2022-08-26. Review status: criteria provided, single submitter. Criteria: Ambry Variant Classification Scheme 2023. Collection method: clinical testing. Allele origin: germline.

Labcorp Genetics (formerly Invitae), Labcorp
Classification: Uncertain significance. Last evaluated: 2022-07-25. Review status: criteria provided, single submitter. Criteria: Invitae Variant Classification Sherloc (09022015). Collection method: clinical testing. Allele origin: germline.
Comment: This sequence change replaces proline, which is neutral and non-polar, with leucine, which is neutral and non-polar, at codon 1282 of the EYS protein (p.Pro1282Leu). This variant is present in population databases (rs527940153, gnomAD 0.06%). This variant has not been reported in the literature in individuals affected with EYS-related conditions. Algorithms developed to predict the effect of missense changes on protein structure and function output the following: SIFT: "Tolerated"; PolyPhen-2: "Benign"; Align-GVGD: "Class C0". The leucine amino acid residue is found in multiple mammalian species, which suggests that this missense change does not adversely affect protein function. In summary, the available evidence is currently insufficient to determine the role of this variant in disease. Therefore, it has been classified as a Variant of Uncertain Significance.

NM_001142800.2(EYS):c.3845C>T (p.Pro1282Leu)

Gene: EYS (eyes shut homolog; minus strand). Cytogenetic location: 6q12.
Variant type: single nucleotide variant.
Coding change: c.3845C>T on transcript NM_001142800.2 (MANE Select); coding-DNA position 3845, C replaced by T.
Protein change: p.Pro1282Leu; replaces proline 1282 with leucine.
Molecular consequence: missense variant.
Genome position (GRCh38, 1-based): chr6:64,593,149, G>A on the plus strand (C>T on the coding strand, the complement: EYS is on the minus strand). VCF-style: chr6-64593149-G-A. GRCh37 (hg19) VCF-style: chr6-65303042-G-A.
Other names: c.3845C>T, p.Pro1282Leu (NM_001292009.2); c.3845C>T (NM_001142800.1); short protein forms P1282L.
Identifiers: ClinVar variation 2167185 (VCV002167185.2), dbSNP rs527940153, ClinGen allele CA140341127.